The following is an entry in ClinVar:

NM_001127453.2(GSDME):c.1039G>T (p.Glu347Ter)

Gene: GSDME (gasdermin E; minus strand). Cytogenetic location: 7p15.3.
Variant type: single nucleotide variant.
Coding change: c.1039G>T on transcript NM_001127453.2 (MANE Select); coding-DNA position 1039, G replaced by T.
Protein change: p.Glu347Ter; replaces glutamic acid 347 with a stop codon.
Molecular consequence: nonsense.
Genome position (GRCh38, 1-based): chr7:24,706,328, C>A on the plus strand (G>T on the coding strand, the complement: GSDME is on the minus strand). VCF-style: chr7-24706328-C-A. GRCh37 (hg19) VCF-style: chr7-24745947-C-A.
Other names: c.547G>T, p.Glu183Ter (NM_001127454.2); c.1039G>T, p.Glu347Ter (NM_004403.3); short protein forms E183*, E347*.
Identifiers: ClinVar variation 3766316 (VCV003766316.1).

ClinVar aggregate classification (germline): Uncertain significance (1 of 4 stars; one submission).

Submission:

GeneDx
Classification: Uncertain significance. Last evaluated: 2024-08-30. Review status: criteria provided, single submitter. Criteria: GeneDx Variant Classification Process June 2021. Collection method: clinical testing. Allele origin: germline. Affected: yes.
Comment: Not observed at significant frequency in large population cohorts (gnomAD); Nonsense variant predicted to result in protein truncation or nonsense mediated decay in a gene or region of a gene for which loss of function is not a well-established mechanism of disease; Has not been previously published as pathogenic or benign to our knowledge